The following is an entry in ClinVar:

ClinVar aggregate classification (germline): Uncertain significance (1 of 4 stars; one submission).

Conditions:
Dilated cardiomyopathy 1EE (CMD1EE). Identifiers: Orphanet 154, MedGen C2750466, MONDO:0013198, OMIM 613252.

Submission:

MGZ Medical Genetics Center
Classification: Uncertain significance for Dilated cardiomyopathy 1EE. Last evaluated: 2022-03-04. Review status: criteria provided, single submitter. Criteria: ACMG Guidelines, 2015. Collection method: clinical testing. Allele origin: germline. Affected: yes. Observed: 1 variant allele.
Comment: ACMG criteria applied: PS2_SUP, PM2_SUP, PP3

NM_002471.4(MYH6):c.3463G>A (p.Ala1155Thr)

Gene: MYH6 (myosin heavy chain 6; minus strand). Cytogenetic location: 14q11.2.
Variant type: single nucleotide variant.
Coding change: c.3463G>A on transcript NM_002471.4 (MANE Select); coding-DNA position 3463, G replaced by A.
Protein change: p.Ala1155Thr; replaces alanine 1155 with threonine.
Molecular consequence: missense variant.
Genome position (GRCh38, 1-based): chr14:23,390,326, C>T on the plus strand (G>A on the coding strand, the complement: MYH6 is on the minus strand). VCF-style: chr14-23390326-C-T. GRCh37 (hg19) VCF-style: chr14-23859535-C-T.
Other names: short protein forms A1155T.
Identifiers: ClinVar variation 1709284 (VCV001709284.1), dbSNP rs2502160189, ClinGen allele CA389006297.
Genomic context (GRCh38, chr14:23,390,326, plus strand): 5'-TCTGGAACTCGGCCTCGCGCTTCTTGTTCATCTCGATCTGCACGGACGTGGCCCCGCCGG[C>T]CTCTTCCAGCCGCTCGCTGATCTCCTCCAGCTCCCGAGACAGGTCTGAGCGCAGCTTCTC-3'
Protein context (NP_002462.2, residues 1145-1165): LEEISERLEE[Ala1155Thr]GGATSVQIEM